The following is an entry in ClinVar:

ClinVar aggregate classification (germline): Likely benign (0 of 4 stars; one submission).

Conditions:
GPT2-related disorder. Also called: GPT2-related condition.

Submission:

PreventionGenetics, part of Exact Sciences
Classification: Likely benign for GPT2-related condition. Last evaluated: 2023-01-27. Review status: no assertion criteria provided. Collection method: clinical testing. Allele origin: germline.
Comment: This variant is classified as likely benign based on ACMG/AMP sequence variant interpretation guidelines (Richards et al. 2015 PMID: 25741868, with internal and published modifications).

NM_133443.4(GPT2):c.375C>T (p.Pro125=)

Gene: GPT2 (glutamic--pyruvic transaminase 2; plus strand). Cytogenetic location: 16q11.2.
Variant type: single nucleotide variant.
Coding change: c.375C>T on transcript NM_133443.4 (MANE Select); coding-DNA position 375, C replaced by T.
Protein change: p.Pro125=; no amino-acid change (proline 125 retained).
Molecular consequence: synonymous variant.
Genome position (GRCh38, 1-based): chr16:46,900,723, C>T. VCF-style: chr16-46900723-C-T. GRCh37 (hg19) VCF-style: chr16-46934635-C-T.
Other names: c.75C>T, p.Pro25= (NM_001142466.3).
Identifiers: ClinVar variation 3045890 (VCV003045890.2), dbSNP rs2548966808, ClinGen allele CA494994872.